The following is an entry in ClinVar:

NM_001367916.1(MAGT1):c.763-10T>A

Gene: MAGT1 (magnesium transporter 1; minus strand). Cytogenetic location: Xq21.1.
Variant type: single nucleotide variant.
Coding change: c.763-10T>A on transcript NM_001367916.1 (MANE Select); 10 bases into the intron before coding-DNA position 763, T replaced by A.
Molecular consequence: intron variant.
Genome position (GRCh38, 1-based): chrX:77,853,974, A>T on the plus strand (T>A on the coding strand, the complement: MAGT1 is on the minus strand). VCF-style: chrX-77853974-A-T. GRCh37 (hg19) VCF-style: chrX-77109471-A-T.
Other names: c.859-10T>A (NM_032121.5).
Identifiers: ClinVar variation 933570 (VCV000933570.9), dbSNP rs1557215733, ClinGen allele CA642707647.

ClinVar aggregate classification (germline): Uncertain significance (1 of 4 stars; one submission).

Conditions:
X-linked immunodeficiency with magnesium defect, Epstein-Barr virus infection and neoplasia. Identifiers: Orphanet 317476, MedGen C3275445, MONDO:0010455, OMIM 300853.

Allele frequency attached by ClinVar (database versions not stated): gnomAD exomes 0.00001.
gnomAD v4.1: 7 of 1,171,971 alleles (0.0006%); highest among the groups gnomAD compares: East Asian, 0.021%; no homozygotes.

Submission:

Labcorp Genetics (formerly Invitae), Labcorp
Classification: Uncertain significance for X-linked immunodeficiency with magnesium defect, Epstein-Barr virus infection and neoplasia. Last evaluated: 2019-09-22. Review status: criteria provided, single submitter. Criteria: Invitae Variant Classification Sherloc (09022015). Collection method: clinical testing. Allele origin: germline.
Comment: This sequence change falls in intron 6 of the MAGT1 gene. It does not directly change the encoded amino acid sequence of the MAGT1 protein. This variant is not present in population databases (ExAC no frequency). This variant has not been reported in the literature in individuals with MAGT1-related conditions. Algorithms developed to predict the effect of sequence changes on RNA splicing suggest that this variant may disrupt the consensus splice site, but this prediction has not been confirmed by published transcriptional studies. In summary, the available evidence is currently insufficient to determine the role of this variant in disease. Therefore, it has been classified as a Variant of Uncertain Significance.